The following is an entry in ClinVar:

NM_001386795.1(DTNA):c.1442C>A (p.Pro481His)

Gene: DTNA (dystrobrevin alpha; plus strand). Cytogenetic location: 18q12.1.
Variant type: single nucleotide variant.
Coding change: c.1442C>A on transcript NM_001386795.1 (MANE Select); coding-DNA position 1442, C replaced by A.
Protein change: p.Pro481His; replaces proline 481 with histidine.
Molecular consequence: missense variant.
Genome position (GRCh38, 1-based): chr18:34,851,838, C>A. VCF-style: chr18-34851838-C-A. GRCh37 (hg19) VCF-style: chr18-32431802-C-A.
Other names: c.1181C>A, p.Pro394His (NM_001198938.2, NM_001198939.2, NM_001198940.2 and 9 more transcripts); c.488C>A, p.Pro163His (NM_001198942.1); c.431C>A, p.Pro144His (NM_001198943.1); c.317C>A, p.Pro106His (NM_001198944.1); c.611C>A, p.Pro204His (NM_001198945.2); c.1271C>A, p.Pro424His (NM_001386754.1, NM_001386755.1, NM_001386756.1 and 4 more transcripts); c.1178C>A, p.Pro393His (NM_001386769.1, NM_001386773.1, NM_001386774.1 and 1 more transcripts); c.1442C>A, p.Pro481His (NM_001386788.1); and 7 more; short protein forms P102H, P144H, P163H, P396H, P76H, P397H, P481H, P393H.
Identifiers: ClinVar variation 1487491 (VCV001487491.6), dbSNP rs1354941224, ClinGen allele CA402174377.

ClinVar aggregate classification (germline): Uncertain significance (1 of 4 stars; one submission).

Conditions:
Left ventricular noncompaction 1 (LVNC1). Also called: LEFT VENTRICULAR NONCOMPACTION 1 WITH OR WITHOUT CONGENITAL HEART DEFECTS. Identifiers: Orphanet 54260, MedGen C1858725, MONDO:0011403, OMIM 604169.

Allele frequency attached by ClinVar (database versions not stated): gnomAD exomes below 0.00001.
gnomAD v4.1: 1 of 1,614,000 alleles (0.000062%); highest among the groups gnomAD compares: Non-Finnish European, 0.000085%; no homozygotes.

Submission:

Labcorp Genetics (formerly Invitae), Labcorp
Classification: Uncertain significance for Left ventricular noncompaction 1. Last evaluated: 2021-10-17. Review status: criteria provided, single submitter. Criteria: Invitae Variant Classification Sherloc (09022015). Collection method: clinical testing. Allele origin: germline.
Comment: This sequence change replaces proline with histidine at codon 454 of the DTNA protein (p.Pro454His). The proline residue is weakly conserved and there is a moderate physicochemical difference between proline and histidine. This variant is not present in population databases (ExAC no frequency). This variant has not been reported in the literature in individuals affected with DTNA-related conditions. Algorithms developed to predict the effect of missense changes on protein structure and function (SIFT, PolyPhen-2, Align-GVGD) all suggest that this variant is likely to be tolerated. In summary, the available evidence is currently insufficient to determine the role of this variant in disease. Therefore, it has been classified as a Variant of Uncertain Significance.